The following is an entry in ClinVar:

NM_015627.3(LDLRAP1):c.-10G>A

Genes: LDLRAP1 (low density lipoprotein receptor adaptor protein 1; plus strand), LOC129929773 (ATAC-STARR-seq lymphoblastoid silent region 456; plus strand). Cytogenetic location: 1p36.11.
Variant type: single nucleotide variant.
Coding change: c.-10G>A on transcript NM_015627.3 (MANE Select); 10 bases upstream of the start codon, G replaced by A.
Molecular consequence: 5 prime UTR variant.
Genome position (GRCh38, 1-based): chr1:25,543,689, G>A. VCF-style: chr1-25543689-G-A. GRCh37 (hg19) VCF-style: chr1-25870180-G-A.
Identifiers: ClinVar variation 3366322 (VCV003366322.1).

ClinVar aggregate classification (germline): Uncertain significance (1 of 4 stars; one submission).

gnomAD v4.1: 5 of 1,214,770 alleles (0.00041%); highest among the groups gnomAD compares: East Asian, 0.0033%; no homozygotes.

Submission:

Women's Health and Genetics/Laboratory Corporation of America, LabCorp
Classification: Uncertain significance. Last evaluated: 2024-08-12. Review status: criteria provided, single submitter. Criteria: LabCorp Variant Classification Summary - May 2015. Collection method: clinical testing. Allele origin: germline.
Comment: Variant summary: LDLRAP1 c.-10G>A is located in the untranslated mRNA region upstream of the initiation codon. The variant allele was found at a frequency of 4.1e-06 in 1214770 control chromosomes. The available data on variant occurrences in the general population are insufficient to allow any conclusion about variant significance. To our knowledge, no occurrence of c.-10G>A in individuals affected with LDLRAP1-related conditions and no experimental evidence demonstrating its impact on protein function have been reported. No submitters have cited clinical-significance assessments for this variant to ClinVar. Based on the evidence outlined above, the variant was classified as uncertain significance.